The following is an entry in ClinVar:

ClinVar aggregate classification (germline): Uncertain significance (1 of 4 stars; one submission).

Allele frequency attached by ClinVar (database versions not stated): gnomAD exomes below 0.00001.

Submission:

Labcorp Genetics (formerly Invitae), Labcorp
Classification: Uncertain significance. Last evaluated: 2022-01-04. Review status: criteria provided, single submitter. Criteria: Invitae Variant Classification Sherloc (09022015). Collection method: clinical testing. Allele origin: germline.
Comment: This sequence change replaces serine, which is neutral and polar, with asparagine, which is neutral and polar, at codon 211 of the ADGRG1 protein (p.Ser211Asn). This variant is not present in population databases (gnomAD no frequency). This variant has not been reported in the literature in individuals affected with ADGRG1-related conditions. Advanced modeling of protein sequence and biophysical properties (such as structural, functional, and spatial information, amino acid conservation, physicochemical variation, residue mobility, and thermodynamic stability) performed at Invitae indicates that this missense variant is not expected to disrupt ADGRG1 protein function. In summary, the available evidence is currently insufficient to determine the role of this variant in disease. Therefore, it has been classified as a Variant of Uncertain Significance.

NM_201525.4(ADGRG1):c.632G>A (p.Ser211Asn)

Gene: ADGRG1 (adhesion G protein-coupled receptor G1; plus strand). Cytogenetic location: 16q21.
Variant type: single nucleotide variant.
Coding change: c.632G>A on transcript NM_201525.4 (MANE Select); coding-DNA position 632, G replaced by A.
Protein change: p.Ser211Asn; replaces serine 211 with asparagine.
Molecular consequence: missense variant.
Genome position (GRCh38, 1-based): chr16:57,653,997, G>A. VCF-style: chr16-57653997-G-A. GRCh37 (hg19) VCF-style: chr16-57687909-G-A.
Other names: c.632G>A, p.Ser211Asn (NM_001145770.3, NM_001145771.3, NM_001145772.3 and 16 more transcripts); c.647G>A, p.Ser216Asn (NM_001145773.3, NM_001370433.1); c.122G>A, p.Ser41Asn (NM_001290142.2); c.107G>A, p.Ser36Asn (NM_001290143.2, NM_001290144.2, NM_001370451.1 and 2 more transcripts); c.476G>A, p.Ser159Asn (NM_001370442.1); short protein forms S211N, S36N, S159N, S216N, S41N.
Identifiers: ClinVar variation 1954551 (VCV001954551.2), dbSNP rs2044812618, ClinGen allele CA396046311.